The following is an entry in ClinVar:

NM_005120.3(MED12):c.4933A>G (p.Thr1645Ala)

Gene: MED12 (mediator complex subunit 12; plus strand). Cytogenetic location: Xq13.1.
Variant type: single nucleotide variant.
Coding change: c.4933A>G on transcript NM_005120.3 (MANE Select); coding-DNA position 4933, A replaced by G.
Protein change: p.Thr1645Ala; replaces threonine 1645 with alanine.
Molecular consequence: missense variant.
Genome position (GRCh38, 1-based): chrX:71,135,161, A>G. VCF-style: chrX-71135161-A-G. GRCh37 (hg19) VCF-style: chrX-70355011-A-G.
Other names: short protein forms T1645A.
Identifiers: ClinVar variation 3367854 (VCV003367854.1).

ClinVar aggregate classification (germline): Uncertain significance (1 of 4 stars; one submission).

Submission:

GeneDx
Classification: Uncertain significance. Last evaluated: 2024-01-11. Review status: criteria provided, single submitter. Criteria: GeneDx Variant Classification Process June 2021. Collection method: clinical testing. Allele origin: germline. Affected: yes.
Comment: Not observed at significant frequency in large population cohorts (gnomAD); In silico analysis supports that this missense variant has a deleterious effect on protein structure/function; Has not been previously published as pathogenic or benign to our knowledge